The following is an entry in ClinVar:

ClinVar aggregate classification (germline): Uncertain significance (1 of 4 stars; one submission).

Submission:

Ambry Genetics
Classification: Uncertain significance. Last evaluated: 2023-12-20. Review status: criteria provided, single submitter. Criteria: Ambry Variant Classification Scheme 2023. Collection method: clinical testing. Allele origin: germline.
Comment: The p.H14D variant (also known as c.40C>G), located in coding exon 2 of the BUB1 gene, results from a C to G substitution at nucleotide position 40. The histidine at codon 14 is replaced by aspartic acid, an amino acid with similar properties. This amino acid position is conserved. In addition, this alteration is predicted to be deleterious by in silico analysis. Since supporting evidence is limited at this time, the clinical significance of this alteration remains unclear.

NM_004336.5(BUB1):c.40C>G (p.His14Asp)

Gene: BUB1 (BUB1 mitotic checkpoint serine/threonine kinase; minus strand). Cytogenetic location: 2q13.
Variant type: single nucleotide variant.
Coding change: c.40C>G on transcript NM_004336.5 (MANE Select); coding-DNA position 40, C replaced by G.
Protein change: p.His14Asp; replaces histidine 14 with aspartic acid.
Molecular consequence: missense variant. On other transcripts: intron variant (1).
Genome position (GRCh38, 1-based): chr2:110,674,352, G>C on the plus strand (C>G on the coding strand, the complement: BUB1 is on the minus strand). VCF-style: chr2-110674352-G-C. GRCh37 (hg19) VCF-style: chr2-111431929-G-C.
Other names: c.40C>G, p.His14Asp (NM_001278617.2); c.27-128C>G (NM_001278616.2); short protein forms H14D.
Identifiers: ClinVar variation 3224100 (VCV003224100.1), dbSNP rs2468039059, ClinGen allele CA348221902.